The following is an entry in ClinVar:

NM_000243.3(MEFV):c.2032G>A (p.Gly678Arg)

Genes: MEFV (MEFV innate immunity regulator, pyrin; minus strand), LOC126862264 (CDK7 strongly-dependent group 2 enhancer GRCh37_chr16:3293322-3294521; plus strand). Cytogenetic location: 16p13.3.
Variant type: single nucleotide variant.
Coding change: c.2032G>A on transcript NM_000243.3 (MANE Select); coding-DNA position 2032, G replaced by A.
Protein change: p.Gly678Arg; replaces glycine 678 with arginine.
Molecular consequence: missense variant. On other transcripts: 3 prime UTR variant (1).
Genome position (GRCh38, 1-based): chr16:3,243,455, C>T on the plus strand (G>A on the coding strand, the complement: MEFV is on the minus strand). VCF-style: chr16-3243455-C-T. GRCh37 (hg19) VCF-style: chr16-3293455-C-T.
Other names: c.*236G>A (NM_001198536.2); short protein forms G678R.
Identifiers: ClinVar variation 1035137 (VCV001035137.11), dbSNP rs771759703, ClinGen allele CA394486640.

ClinVar aggregate classification (germline): Uncertain significance. Review status: criteria provided, multiple submitters, no conflicts (2 of 4 stars). 3 submissions from 3 submitters: Uncertain significance (2). 1 of the submissions does not count toward it. Last evaluated 2024-04-26.

Conditions:
Familial Mediterranean fever (FMF). Also called: POLYSEROSITIS, FAMILIAL PAROXYSMAL; POLYSEROSITIS, RECURRENT; Periodic peritonitis; Benign paroxysmal peritonitis. Identifiers: Orphanet 342, MedGen C0031069, MONDO:0018088, OMIM 249100. Disease mechanism: gain of function.

Submissions (3):

Women's Health and Genetics/Laboratory Corporation of America, LabCorp
Classification: Uncertain significance. Last evaluated: 2024-04-26. Review status: criteria provided, single submitter. Criteria: LabCorp Variant Classification Summary - May 2015. Collection method: clinical testing. Allele origin: germline.
Comment: Variant summary: MEFV c.2032G>A (p.Gly678Arg) results in a non-conservative amino acid change in the encoded protein sequence. Five of five in-silico tools predict a damaging effect of the variant on protein function. The variant was absent in 251472 control chromosomes (gnomAD). The available data on variant occurrences in the general population are insufficient to allow any conclusion about variant significance. To our knowledge, no occurrence of c.2032G>A in individuals affected with Familial Mediterranean Fever and no experimental evidence demonstrating its impact on protein function have been reported. ClinVar contains an entry for this variant (Variation ID: 1035137). Based on the evidence outlined above, the variant was classified as uncertain significance.

Labcorp Genetics (formerly Invitae), Labcorp
Classification: Uncertain significance for Familial Mediterranean fever. Last evaluated: 2022-10-03. Review status: criteria provided, single submitter. Criteria: Invitae Variant Classification Sherloc (09022015). Collection method: clinical testing. Allele origin: germline.
Comment: This sequence change replaces glycine, which is neutral and non-polar, with arginine, which is basic and polar, at codon 678 of the MEFV protein (p.Gly678Arg). This variant is not present in population databases (gnomAD no frequency). This variant has not been reported in the literature in individuals affected with MEFV-related conditions. ClinVar contains an entry for this variant (Variation ID: 1035137). Algorithms developed to predict the effect of missense changes on protein structure and function are either unavailable or do not agree on the potential impact of this missense change (SIFT: "Tolerated"; PolyPhen-2: "Probably Damaging"; Align-GVGD: "Class C0"). In summary, the available evidence is currently insufficient to determine the role of this variant in disease. Therefore, it has been classified as a Variant of Uncertain Significance.

Natera, Inc.
Classification: Uncertain significance for Familial Mediterranean fever. Last evaluated: 2020-05-02. Review status: no assertion criteria provided. Collection method: clinical testing. Allele origin: germline. Not counted in ClinVar's aggregate classification.